The following is an entry in ClinVar:

ClinVar aggregate classification (germline): Uncertain significance. Review status: criteria provided, multiple submitters, no conflicts (2 of 4 stars). 2 submissions from 2 submitters: Uncertain significance (2). Last evaluated 2024-11-19.

Allele frequency attached by ClinVar (database versions not stated): ExAC 0.00003; gnomAD 0.00003 and 0.00004; gnomAD exomes 0.00004 and 0.00007; TOPMed 0.00006; ESP Exome Variant Server 0.00015.
gnomAD v4.1: 108 of 1,614,132 alleles (0.0067%); highest among the groups gnomAD compares: Middle Eastern, 0.016%; no homozygotes.

Submissions (2):

Blueprint Genetics
Classification: Uncertain significance. Last evaluated: 2024-11-19. Review status: criteria provided, single submitter. Criteria: ACMG Guidelines, 2015. Collection method: clinical testing. Allele origin: germline.

Labcorp Genetics (formerly Invitae), Labcorp
Classification: Uncertain significance. Last evaluated: 2022-06-14. Review status: criteria provided, single submitter. Criteria: Invitae Variant Classification Sherloc (09022015). Collection method: clinical testing. Allele origin: germline.
Comment: This sequence change replaces arginine, which is basic and polar, with lysine, which is basic and polar, at codon 302 of the CCBE1 protein (p.Arg302Lys). This variant is present in population databases (rs144421610, gnomAD 0.007%). This variant has not been reported in the literature in individuals affected with CCBE1-related conditions. Algorithms developed to predict the effect of missense changes on protein structure and function are either unavailable or do not agree on the potential impact of this missense change (SIFT: "Deleterious"; PolyPhen-2: "Probably Damaging"; Align-GVGD: "Class C0"). In summary, the available evidence is currently insufficient to determine the role of this variant in disease. Therefore, it has been classified as a Variant of Uncertain Significance.

NM_133459.4(CCBE1):c.905G>A (p.Arg302Lys)

Gene: CCBE1 (collagen and calcium binding EGF domains 1; minus strand). Cytogenetic location: 18q21.32.
Variant type: single nucleotide variant.
Coding change: c.905G>A on transcript NM_133459.4 (MANE Select); coding-DNA position 905, G replaced by A.
Protein change: p.Arg302Lys; replaces arginine 302 with lysine.
Molecular consequence: missense variant.
Genome position (GRCh38, 1-based): chr18:59,439,687, C>T on the plus strand (G>A on the coding strand, the complement: CCBE1 is on the minus strand). VCF-style: chr18-59439687-C-T. GRCh37 (hg19) VCF-style: chr18-57106919-C-T.
Other names: short protein forms R302K.
Identifiers: ClinVar variation 1386414 (VCV001386414.4), dbSNP rs144421610, ClinGen allele CA8980295.